The following is an entry in ClinVar:

ClinVar aggregate classification (germline): Uncertain significance (1 of 4 stars; one submission).

Conditions:
KSR2-related disorder. Also called: KSR2-related condition.

Submission:

PreventionGenetics, part of Exact Sciences
Classification: Uncertain significance for KSR2-related condition. Last evaluated: 2026-09-02. Review status: criteria provided, single submitter. Criteria: ACMG Guidelines, 2015. Collection method: clinical testing. Allele origin: germline.
Comment: The KSR2 c.683C>G variant is predicted to result in the amino acid substitution p.Ala228Gly. To our knowledge, this variant has not been reported in the literature or in a large population database (gnomAD), indicating this variant is rare. At this time, the clinical significance of this variant is uncertain due to the absence of conclusive functional and genetic evidence.

NM_173598.6(KSR2):c.770C>G (p.Ala257Gly)

Gene: KSR2 (kinase suppressor of ras 2; minus strand). Cytogenetic location: 12q24.23.
Variant type: single nucleotide variant.
Coding change: c.770C>G on transcript NM_173598.6 (MANE Select); coding-DNA position 770, C replaced by G.
Protein change: p.Ala257Gly; replaces alanine 257 with glycine.
Molecular consequence: missense variant.
Genome position (GRCh38, 1-based): chr12:117,761,227, G>C on the plus strand (C>G on the coding strand, the complement: KSR2 is on the minus strand). VCF-style: chr12-117761227-G-C. GRCh37 (hg19) VCF-style: chr12-118199032-G-C.
Other names: short protein forms A257G.
Identifiers: ClinVar variation 4993294 (VCV004993294.1).